The following is an entry in ClinVar:

ClinVar aggregate classification (germline): Likely benign. Review status: criteria provided, single submitter (1 of 4 stars). 2 submissions from 2 submitters: Likely benign (1). 1 of the submissions does not count toward it. Last evaluated 2025-06-24.

Conditions:
ARHGAP24-related disorder. Also called: ARHGAP24-related condition.

Allele frequency attached by ClinVar (database versions not stated): ExAC 0.00004; gnomAD exomes 0.00004; gnomAD 0.00006; TOPMed 0.00010.
gnomAD v4.1: 75 of 1,613,586 alleles (0.0046%); highest among the groups gnomAD compares: African/African-American, 0.015%; no homozygotes.

Submissions (2):

Labcorp Genetics (formerly Invitae), Labcorp
Classification: Likely benign. Last evaluated: 2025-06-24. Review status: criteria provided, single submitter. Criteria: Invitae Variant Classification Sherloc (09022015). Collection method: clinical testing. Allele origin: germline.

PreventionGenetics, part of Exact Sciences
Classification: Likely benign for ARHGAP24-related condition. Last evaluated: 2020-03-18. Review status: no assertion criteria provided. Collection method: clinical testing. Allele origin: germline. Not counted in ClinVar's aggregate classification.
Comment: This variant is classified as likely benign based on ACMG/AMP sequence variant interpretation guidelines (Richards et al. 2015 PMID: 25741868, with internal and published modifications).

NM_001025616.3(ARHGAP24):c.2133C>T (p.Ala711=)

Gene: ARHGAP24 (Rho GTPase activating protein 24; plus strand). Cytogenetic location: 4q21.3.
Variant type: single nucleotide variant.
Coding change: c.2133C>T on transcript NM_001025616.3 (MANE Select); coding-DNA position 2133, C replaced by T.
Protein change: p.Ala711=; no amino-acid change (alanine 711 retained).
Molecular consequence: synonymous variant.
Genome position (GRCh38, 1-based): chr4:86,000,608, C>T. VCF-style: chr4-86000608-C-T. GRCh37 (hg19) VCF-style: chr4-86921761-C-T.
Other names: c.1848C>T, p.Ala616= (NM_001042669.2); c.1878C>T, p.Ala626= (NM_001287805.2); c.1554C>T, p.Ala518= (NM_001346093.2); c.1854C>T, p.Ala618= (NM_031305.3).
Identifiers: ClinVar variation 3047794 (VCV003047794.3), dbSNP rs762010260, ClinGen allele CA2994902.